The following is an entry in ClinVar:

ClinVar aggregate classification (germline): Uncertain significance (1 of 4 stars; one submission).

Submission:

GeneDx
Classification: Uncertain significance. Last evaluated: 2023-03-18. Review status: criteria provided, single submitter. Criteria: GeneDx Variant Classification Process June 2021. Collection method: clinical testing. Allele origin: germline. Affected: yes.
Comment: Not observed at significant frequency in large population cohorts (gnomAD); In silico analysis supports that this missense variant does not alter protein structure/function; Has not been previously published as pathogenic or benign to our knowledge

NM_001256012.3(MYH10):c.635A>T (p.Gln212Leu)

Gene: MYH10 (myosin heavy chain 10; minus strand). Cytogenetic location: 17p13.1.
Variant type: single nucleotide variant.
Coding change: c.635A>T on transcript NM_001256012.3 (MANE Select); coding-DNA position 635, A replaced by T.
Protein change: p.Gln212Leu; replaces glutamine 212 with leucine.
Molecular consequence: missense variant. On other transcripts: intron variant (1), splice acceptor variant (1).
Genome position (GRCh38, 1-based): chr17:8,576,671, T>A on the plus strand (A>T on the coding strand, the complement: MYH10 is on the minus strand). VCF-style: chr17-8576671-T-A. GRCh37 (hg19) VCF-style: chr17-8479989-T-A.
Other names: c.635A>T, p.Gln212Leu (NM_001375266.1); c.633+565A>T (NM_005964.5); c.634-2A>T (NM_001256095.2); short protein forms Q212L.
Identifiers: ClinVar variation 2580810 (VCV002580810.1), dbSNP rs2083508584, ClinGen allele CA398227962.
Genomic context (GRCh38, chr17:8,576,671, plus strand): 5'-CAAGACTAAGAAGCATAAAGAAGAGCACTTGCCTGGTGTTTCACTGGTTTAGGCGATTCC[T>A]GCTGTTCATTACAAACAGACAAATGCAAATGTTAGCAAGTTTGAGTCTTTGCCTAGCAGT-3'
Protein context (NP_001242941.1, residues 202-222): HKGRKDHNIP[Gln212Leu]ESPKPVKHQG